The following is an entry in ClinVar:

NM_183357.3(ADCY5):c.197_198delinsCC (p.Gln66Pro)

Gene: ADCY5 (adenylate cyclase 5; minus strand). Cytogenetic location: 3q21.1.
Variant type: Indel.
Coding change: c.197_198delinsCC on transcript NM_183357.3 (MANE Select); coding-DNA positions 197 to 198, AG replaced by CC.
Protein change: p.Gln66Pro; replaces glutamine 66 with proline.
Molecular consequence: missense variant.
Genome position (GRCh38, 1-based): chr3:123,448,348-123,448,349, CT replaced by GG on the plus strand (AG replaced by CC on the coding strand, the reverse complement: ADCY5 is on the minus strand). VCF-style: chr3-123448348-CT-GG. GRCh37 (hg19) VCF-style: chr3-123167195-CT-GG.
Other names: c.197_198delinsCC, p.Gln66Pro (NM_001378259.1); short protein forms Q66P.
Identifiers: ClinVar variation 4778594 (VCV004778594.1).
Genomic context (GRCh38, chr3:123,448,348, plus strand): 5'-GTCACCGCTCAGCGGAGGATCGTCGTCGTCGTCGCTGCGCCAGCGGCTGGCCAGGCGCTG[CT>GG]GCTGCTGCGGGGTCACCGCCCCCCCGGGTTTCTTGGTGGAGCCGCGGGCAGAGCCCCCGG-3'
Protein context (NP_899200.1, residues 56-76): KPGGAVTPQQ[Gln66Pro]QRLASRWRSD

ClinVar aggregate classification (germline): Uncertain significance (1 of 4 stars; one submission).

Submission:

Labcorp Genetics (formerly Invitae), Labcorp
Classification: Uncertain significance. Last evaluated: 2025-03-24. Review status: criteria provided, single submitter. Criteria: Invitae Variant Classification Sherloc (09022015). Collection method: clinical testing. Allele origin: germline.
Comment: This sequence change replaces glutamine, which is neutral and polar, with proline, which is neutral and non-polar, at codon 66 of the ADCY5 protein (p.Gln66Pro). Information on the frequency of this variant in the gnomAD database is not available, as this variant may be reported differently in the database. This variant has not been reported in the literature in individuals affected with ADCY5-related conditions. An algorithm developed to predict the effect of missense changes on protein structure and function (PolyPhen-2) suggests that this variant is likely to be tolerated. In summary, the available evidence is currently insufficient to determine the role of this variant in disease. Therefore, it has been classified as a Variant of Uncertain Significance.